The following is an entry in ClinVar:

ClinVar aggregate classification (germline): Likely benign (1 of 4 stars; one submission).

Conditions:
Medulloblastoma (MDB). Also called: Medulloblastoma, somatic; MEDULLOBLASTOMA PREDISPOSITION SYNDROME. Identifiers: Orphanet 616, MedGen C0025149, MeSH D008527, MONDO:0007959, OMIM 155255, HP:0002885.

Allele frequency attached by ClinVar (database versions not stated): gnomAD exomes 0.00094; gnomAD 0.00301 and 0.00308; 1000 Genomes Project 0.00399; 1000 Genomes Project 30x 0.00453; TOPMed 0.00513.
gnomAD v4.1: 544 of 232,556 alleles (0.23%); highest among the groups gnomAD compares: Admixed American, 2.6%; 9 homozygotes.

Submission:

Illumina Laboratory Services, Illumina
Classification: Likely benign for Medulloblastoma. Last evaluated: 2018-01-13. Review status: criteria provided, single submitter. Criteria: ICSL Variant Classification Criteria 13 December 2019. Collection method: clinical testing. Allele origin: germline.
Comment: This variant was observed in the ICSL laboratory as part of a predisposition screen in an ostensibly healthy population. It had not been previously curated by ICSL or reported in the Human Gene Mutation Database (HGMD: prior to June 1st, 2018), and was therefore a candidate for classification through an automated scoring system. Utilizing variant allele frequency, disease prevalence and penetrance estimates, and inheritance mode, an automated score was calculated to assess if this variant is too frequent to cause the disease. Based on the score and internal cut-off values, a variant classified as likely benign is not then subjected to further curation. The score for this variant resulted in a classification of likely benign for this disease.

NM_016169.4(SUFU):c.*3268G>C

Gene: SUFU (SUFU negative regulator of hedgehog signaling; plus strand). Cytogenetic location: 10q24.32.
Variant type: single nucleotide variant.
Coding change: c.*3268G>C on transcript NM_016169.4 (MANE Select); 3268 bases downstream of the stop codon, G replaced by C.
Molecular consequence: 3 prime UTR variant.
Genome position (GRCh38, 1-based): chr10:102,633,423, G>C. VCF-style: chr10-102633423-G-C. GRCh37 (hg19) VCF-style: chr10-104393180-G-C.
Identifiers: ClinVar variation 877805 (VCV000877805.4), dbSNP rs150653416, ClinGen allele CA212252747.
Genomic context (GRCh38, chr10:102,633,423, plus strand): 5'-GTAAGAATTTTTGGGTGACTCACTTAGATGTCGTTTCCTTCTTGCCCCCTCTTCCTCTCT[G>C]TAATCTAAGTGCATTAAACATCTTTGCAGAAGTGCCTGGGTTGTGTGCTCATTTCTGGCT-3'